The following is an entry in ClinVar:

NM_181776.3(SLC36A2):c.1411G>A (p.Asp471Asn)

Gene: SLC36A2 (solute carrier family 36 member 2; minus strand). Cytogenetic location: 5q33.1.
Variant type: single nucleotide variant.
Coding change: c.1411G>A on transcript NM_181776.3 (MANE Select); coding-DNA position 1411, G replaced by A.
Protein change: p.Asp471Asn; replaces aspartic acid 471 with asparagine.
Molecular consequence: missense variant.
Genome position (GRCh38, 1-based): chr5:151,316,858, C>T on the plus strand (G>A on the coding strand, the complement: SLC36A2 is on the minus strand). VCF-style: chr5-151316858-C-T. GRCh37 (hg19) VCF-style: chr5-150696419-C-T.
Other names: short protein forms D471N.
Identifiers: ClinVar variation 788353 (VCV000788353.19), dbSNP rs140682366, ClinGen allele CA3518541.

ClinVar aggregate classification (germline): Conflicting classifications of pathogenicity. Review status: criteria provided, conflicting classifications (1 of 4 stars). 3 submissions from 3 submitters: Uncertain significance (1); Benign (1). 1 of the submissions does not count toward it. Last evaluated 2025-12-03.

Conditions:
SLC36A2-related disorder. Also called: SLC36A2-related condition.

Allele frequency attached by ClinVar (database versions not stated): 1000 Genomes Project 0.00060; gnomAD 0.00066 and 0.00071; ESP Exome Variant Server 0.00069; 1000 Genomes Project 30x 0.00078; ExAC 0.00086; TOPMed 0.00091.
gnomAD v4.1: 1,076 of 1,613,586 alleles (0.067%); highest among the groups gnomAD compares: Middle Eastern, 1.9%; 8 homozygotes.

Submissions (3):

Labcorp Genetics (formerly Invitae), Labcorp
Classification: Benign. Last evaluated: 2025-12-03. Review status: criteria provided, single submitter. Criteria: Invitae Variant Classification Sherloc (09022015). Collection method: clinical testing. Allele origin: germline.

ARUP Laboratories, Molecular Genetics and Genomics, ARUP Laboratories
Classification: Uncertain significance. Last evaluated: 2020-12-05. Review status: criteria provided, single submitter. Criteria: ARUP Molecular Germline Variant Investigation Process 2021. Collection method: clinical testing. Allele origin: germline.

PreventionGenetics, part of Exact Sciences
Classification: Benign for SLC36A2-related condition. Last evaluated: 2019-05-24. Review status: no assertion criteria provided. Collection method: clinical testing. Allele origin: germline. Not counted in ClinVar's aggregate classification.
Comment: This variant is classified as benign based on ACMG/AMP sequence variant interpretation guidelines (Richards et al. 2015 PMID: 25741868, with internal and published modifications).